The following is an entry in ClinVar:

NM_000079.4(CHRNA1):c.320G>T (p.Arg107Leu)

Gene: CHRNA1 (cholinergic receptor nicotinic alpha 1 subunit; minus strand). Cytogenetic location: 2q31.1.
Variant type: single nucleotide variant.
Coding change: c.320G>T on transcript NM_000079.4 (MANE Select); coding-DNA position 320, G replaced by T.
Protein change: p.Arg107Leu; replaces arginine 107 with leucine.
Molecular consequence: missense variant.
Genome position (GRCh38, 1-based): chr2:174,757,590, C>A on the plus strand (G>T on the coding strand, the complement: CHRNA1 is on the minus strand). VCF-style: chr2-174757590-C-A. GRCh37 (hg19) VCF-style: chr2-175622318-C-A.
Other names: c.395G>T, p.Arg132Leu (NM_001039523.3); short protein forms R132L, R107L.
Identifiers: ClinVar variation 281666 (VCV000281666.13), dbSNP rs376844505, ClinGen allele CA10603942.

ClinVar aggregate classification (germline): Uncertain significance. Review status: criteria provided, multiple submitters, no conflicts (2 of 4 stars). 2 submissions from 2 submitters: Uncertain significance (2). Last evaluated 2023-11-06.

Conditions:
Lethal multiple pterygium syndrome (LMPS). Identifiers: Orphanet 33108, MedGen C1854678, MONDO:0009668, OMIM 253290.

Allele frequency attached by ClinVar (database versions not stated): TOPMed 0.00001.
gnomAD v4.1: 1 of 1,613,956 alleles (0.000062%); highest among the groups gnomAD compares: Admixed American, 0.0017%; no homozygotes.

Submissions (2):

Labcorp Genetics (formerly Invitae), Labcorp
Classification: Uncertain significance for Lethal multiple pterygium syndrome. Last evaluated: 2023-11-06. Review status: criteria provided, single submitter. Criteria: Invitae Variant Classification Sherloc (09022015). Collection method: clinical testing. Allele origin: germline.
Comment: This sequence change replaces arginine, which is basic and polar, with leucine, which is neutral and non-polar, at codon 107 of the CHRNA1 protein (p.Arg107Leu). This variant is present in population databases (no rsID available, gnomAD 0.003%). This variant has not been reported in the literature in individuals affected with CHRNA1-related conditions. ClinVar contains an entry for this variant (Variation ID: 281666). Advanced modeling of protein sequence and biophysical properties (such as structural, functional, and spatial information, amino acid conservation, physicochemical variation, residue mobility, and thermodynamic stability) performed at Invitae indicates that this missense variant is not expected to disrupt CHRNA1 protein function with a negative predictive value of 80%. In summary, the available evidence is currently insufficient to determine the role of this variant in disease. Therefore, it has been classified as a Variant of Uncertain Significance.

Eurofins Ntd Llc (ga)
Classification: Uncertain significance. Last evaluated: 2015-07-10. Review status: criteria provided, single submitter. Criteria: EGL Classification Definitions 2015. Collection method: clinical testing. Allele origin: germline. Observed: 1 variant allele, 1 heterozygote.